The following is an entry in ClinVar:

ClinVar aggregate classification (germline): Uncertain significance (1 of 4 stars; one submission).

Conditions:
Primary familial hypertrophic cardiomyopathy (HCM). Identifiers: Orphanet 99739, MedGen C0949658, MeSH D024741, MONDO:0024573. Inheritance: Various modes of inheritance.
Dilated cardiomyopathy 1AA (CMD1AA). Also called: CARDIOMYOPATHY, DILATED, 1AA, WITH OR WITHOUT LEFT VENTRICULAR NONCOMPACTION; CARDIOMYOPATHY, FAMILIAL HYPERTROPHIC, 23, WITH OR WITHOUT LEFT VENTRICULAR NONCOMPACTION; Cardiomyopathy, dilated, 1AA, with or without LVNC. Identifiers: Orphanet 154, MedGen C2677338, MONDO:0012808, OMIM 612158.

Allele frequency attached by ClinVar (database versions not stated): TOPMed 0.00001.

Submission:

Labcorp Genetics (formerly Invitae), Labcorp
Classification: Uncertain significance for Primary familial hypertrophic cardiomyopathy; Dilated cardiomyopathy 1AA. Last evaluated: 2022-03-19. Review status: criteria provided, single submitter. Criteria: Invitae Variant Classification Sherloc (09022015). Collection method: clinical testing. Allele origin: germline.
Comment: This variant has not been reported in the literature in individuals affected with ACTN2-related conditions. ClinVar contains an entry for this variant (Variation ID: 662699). Algorithms developed to predict the effect of missense changes on protein structure and function (SIFT, PolyPhen-2, Align-GVGD) all suggest that this variant is likely to be disruptive. In summary, the available evidence is currently insufficient to determine the role of this variant in disease. Therefore, it has been classified as a Variant of Uncertain Significance. This variant is not present in population databases (gnomAD no frequency). This sequence change replaces asparagine, which is neutral and polar, with lysine, which is basic and polar, at codon 213 of the ACTN2 protein (p.Asn213Lys).

NM_001103.4(ACTN2):c.639C>A (p.Asn213Lys)

Gene: ACTN2 (actinin alpha 2; plus strand). Cytogenetic location: 1q43.
Variant type: single nucleotide variant.
Coding change: c.639C>A on transcript NM_001103.4 (MANE Select); coding-DNA position 639, C replaced by A.
Protein change: p.Asn213Lys; replaces asparagine 213 with lysine.
Molecular consequence: missense variant. On other transcripts: 5 prime UTR variant (1).
Genome position (GRCh38, 1-based): chr1:236,731,256, C>A. VCF-style: chr1-236731256-C-A. GRCh37 (hg19) VCF-style: chr1-236894556-C-A.
Other names: c.639C>A, p.Asn213Lys (NM_001278343.2); c.-183C>A (NM_001278344.2); short protein forms N213K.
Identifiers: ClinVar variation 662699 (VCV000662699.9), dbSNP rs1188575946, ClinGen allele CA345375810.
Genomic context (GRCh38, chr1:236,731,256, plus strand): 5'-ATATTTTAAAAATCTGACTGTCTTGGTTTTCATACAGGATGACCCCATAGGAAATATTAA[C>A]CTGGCCATGGAAATCGCTGAGAAGCACCTGGATATTCCTAAAATGTTGGATGCTGAAGGT-3'
Protein context (NP_001094.1, residues 203-223): LNKDDPIGNI[Asn213Lys]LAMEIAEKHL